The following is an entry in ClinVar:

NM_058195.4(CDKN2A):c.21G>A (p.Val7=)

Gene: CDKN2A (cyclin dependent kinase inhibitor 2A; minus strand). Cytogenetic location: 9p21.3.
Variant type: single nucleotide variant.
Coding change: c.21G>A on transcript NM_058195.4 (MANE Plus Clinical); coding-DNA position 21, G replaced by A.
Protein change: p.Val7=; no amino-acid change (valine 7 retained).
Molecular consequence: synonymous variant. On other transcripts: intron variant (1).
Genome position (GRCh38, 1-based): chr9:21,994,311, C>T on the plus strand (G>A on the coding strand, the complement: CDKN2A is on the minus strand). VCF-style: chr9-21994311-C-T. GRCh37 (hg19) VCF-style: chr9-21994310-C-T.
Other names: c.-4+510G>A (NM_001363763.2).
Identifiers: ClinVar variation 4294289 (VCV004294289.1).
Genomic context (GRCh38, chr9:21,994,311, plus strand): 5'-GATGTGAACCACGAAAACCCTCACTCGCGGCGGGCCGCACGCGCGCCGAATCCGGAGGGT[C>T]ACCAAGAACCTGCGCACCATGTTCTCGCCGCCTCCAGGGCCGAGCTCGGCAGCCGCTGCG-3'
Protein context (NP_478102.2, residues 1-17): MVRRFL[Val7=]TLRIRRACGP

ClinVar aggregate classification (germline): Benign/Likely benign. Review status: criteria provided, multiple submitters, no conflicts (2 of 4 stars). 2 submissions from 2 submitters: Benign (1); Likely benign (1). Last evaluated 2025-10-24.

Conditions:
Melanoma-pancreatic cancer syndrome. Identifiers: Orphanet 404560, MedGen C1838547, MONDO:0011713, OMIM 606719. Disease mechanism: loss of function.
Hereditary cancer-predisposing syndrome. Also called: Neoplastic Syndromes, Hereditary; Tumor predisposition; Hereditary neoplastic syndrome; Hereditary Cancer Syndrome. Identifiers: Orphanet 140162, MedGen C0027672, MeSH D009386, MONDO:0015356.

Submissions (2):

Ambry Genetics
Classification: Likely benign for Hereditary cancer-predisposing syndrome. Last evaluated: 2025-10-24. Review status: criteria provided, single submitter. Criteria: Ambry Variant Classification Scheme 2023. Collection method: clinical testing. Allele origin: germline.

Myriad Genetics, Inc.
Classification: Benign for Melanoma-pancreatic cancer syndrome. Last evaluated: 2025-08-12. Review status: criteria provided, single submitter. Criteria: Myriad Autosomal Dominant, Autosomal Recessive and X-Linked Classification Criteria (2023). Collection method: clinical testing. Allele origin: unknown.
Comment: This variant is considered benign. This variant is a silent/synonymous amino acid change and it is not expected to impact splicing.